The following is an entry in ClinVar:

ClinVar aggregate classification (germline): Uncertain significance (1 of 4 stars; one submission).

Submission:

GeneDx
Classification: Uncertain significance. Last evaluated: 2022-12-14. Review status: criteria provided, single submitter. Criteria: GeneDx Variant Classification Process June 2021. Collection method: clinical testing. Allele origin: germline. Affected: yes.
Comment: Not observed at significant frequency in large population cohorts (gnomAD); In silico analysis supports that this missense variant has a deleterious effect on protein structure/function; Has not been previously published as pathogenic or benign to our knowledge

NM_004859.4(CLTC):c.2860G>A (p.Glu954Lys)

Gene: CLTC (clathrin heavy chain; plus strand). Cytogenetic location: 17q23.1.
Variant type: single nucleotide variant.
Coding change: c.2860G>A on transcript NM_004859.4 (MANE Select); coding-DNA position 2860, G replaced by A.
Protein change: p.Glu954Lys; replaces glutamic acid 954 with lysine.
Molecular consequence: missense variant.
Genome position (GRCh38, 1-based): chr17:59,679,460, G>A. VCF-style: chr17-59679460-G-A. GRCh37 (hg19) VCF-style: chr17-57756821-G-A.
Other names: c.2872G>A, p.Glu958Lys (NM_001288653.2); short protein forms E954K, E958K.
Identifiers: ClinVar variation 2505803 (VCV002505803.1), dbSNP rs2509147524, ClinGen allele CA400416436.